The following is an entry in ClinVar:

ClinVar aggregate classification (germline): Uncertain significance (1 of 4 stars; one submission).

Conditions:
Beckwith-Wiedemann syndrome (BWS). Also called: EMG SYNDROME; Exomphalos macroglossia gigantism syndrome. Identifiers: Orphanet 116, MedGen C0004903, MONDO:0007534, OMIM 130650.

Allele frequency attached by ClinVar (database versions not stated): TOPMed below 0.00001; ExAC 0.00001; gnomAD 0.00002.

Submission:

Labcorp Genetics (formerly Invitae), Labcorp
Classification: Uncertain significance for Beckwith-Wiedemann syndrome. Last evaluated: 2024-06-04. Review status: criteria provided, single submitter. Criteria: Invitae Variant Classification Sherloc (09022015). Collection method: clinical testing. Allele origin: germline.
Comment: This sequence change replaces alanine, which is neutral and non-polar, with threonine, which is neutral and polar, at codon 255 of the CDKN1C protein (p.Ala255Thr). The frequency data for this variant in the population databases is considered unreliable, as metrics indicate poor data quality at this position in the gnomAD database. This variant has not been reported in the literature in individuals affected with CDKN1C-related conditions. ClinVar contains an entry for this variant (Variation ID: 454030). Advanced modeling of protein sequence and biophysical properties (such as structural, functional, and spatial information, amino acid conservation, physicochemical variation, residue mobility, and thermodynamic stability) performed at Invitae indicates that this missense variant is not expected to disrupt CDKN1C protein function with a negative predictive value of 80%. In summary, the available evidence is currently insufficient to determine the role of this variant in disease. Therefore, it has been classified as a Variant of Uncertain Significance.

NM_001122630.2(CDKN1C):c.730G>A (p.Ala244Thr)

Gene: CDKN1C (cyclin dependent kinase inhibitor 1C; minus strand). Cytogenetic location: 11p15.4.
Variant type: single nucleotide variant.
Coding change: c.730G>A on transcript NM_001122630.2 (MANE Select); coding-DNA position 730, G replaced by A.
Protein change: p.Ala244Thr; replaces alanine 244 with threonine.
Molecular consequence: missense variant. On other transcripts: intron variant (1).
Genome position (GRCh38, 1-based): chr11:2,884,727, C>T on the plus strand (G>A on the coding strand, the complement: CDKN1C is on the minus strand). VCF-style: chr11-2884727-C-T. GRCh37 (hg19) VCF-style: chr11-2905957-C-T.
Other names: c.763G>A, p.Ala255Thr (LRG_533t1, NM_000076.2, NM_001362474.2); c.730G>A, p.Ala244Thr (NM_001122631.2); c.255+475G>A (NM_001362475.2); short protein forms A255T, A244T.
Identifiers: ClinVar variation 454030 (VCV000454030.8), dbSNP rs760038657, ClinGen allele CA5822179.